The following is an entry in ClinVar:

NM_016284.5(CNOT1):c.439C>T (p.Gln147Ter)

Gene: CNOT1 (CCR4-NOT transcription complex subunit 1; minus strand). Cytogenetic location: 16q21.
Variant type: single nucleotide variant.
Coding change: c.439C>T on transcript NM_016284.5 (MANE Select); coding-DNA position 439, C replaced by T.
Protein change: p.Gln147Ter; replaces glutamine 147 with a stop codon.
Molecular consequence: nonsense. On other transcripts: non-coding transcript variant (1).
Genome position (GRCh38, 1-based): chr16:58,586,743, G>A on the plus strand (C>T on the coding strand, the complement: CNOT1 is on the minus strand). VCF-style: chr16-58586743-G-A. GRCh37 (hg19) VCF-style: chr16-58620647-G-A.
Other names: c.439C>T, p.Gln147Ter (NM_001265612.2, NM_206999.3); short protein forms Q147*.
Identifiers: ClinVar variation 3775789 (VCV003775789.1).
Genomic context (GRCh38, chr16:58,586,743, plus strand): 5'-CACTGACGTCTGCGTCAATGTAAGAACGCAGAAGATCTGGAAGCTTCTGTTTGATAAACT[G>A]GGCAGCTAGAAGTCAGGTAAACCAAAAACCGCAAGTTACTTTTGCACCACAATGGGTTAA-3'

ClinVar aggregate classification (germline): Likely pathogenic (1 of 4 stars; one submission).

Conditions:
Vissers-Bodmer syndrome. Identifiers: MedGen C5436647, MONDO:0033618, OMIM 619033.

Submission:

3billion
Classification: Likely pathogenic for Vissers-Bodmer syndrome. Last evaluated: 2023-08-17. Review status: criteria provided, single submitter. Criteria: ACMG Guidelines, 2015. Collection method: clinical testing. Allele origin: germline. Affected: yes.
Comment: The variant is not observed in the gnomAD v2.1.1 dataset. Predicted Consequence/Location: Stop-gained (nonsense): predicted to result in a loss or disruption of normal protein function through nonsense-mediated decay (NMD) or protein truncation. Multiple pathogenic variants are reported downstream of the variant. Therefore, this variant is classified as Likely pathogenic according to the recommendation of ACMG/AMP guideline.